The following is an entry in ClinVar:

NM_001034853.2(RPGR):c.2589_2615del (p.860EEGEEGEGE[1])

Gene: RPGR (retinitis pigmentosa GTPase regulator; minus strand). Cytogenetic location: Xp11.4.
Variant type: Deletion.
Coding change: c.2589_2615del on transcript NM_001034853.2 (MANE Select); coding-DNA positions 2589 to 2615, 27 bases deleted (AGAAGGAGAAGGGGAGGAAGAAGGGGA).
Protein change: p.860EEGEEGEGE[1].
Molecular consequence: inframe deletion. On other transcripts: intron variant (8).
Genome position (GRCh38, 1-based): chrX:38,286,384-38,286,410, TCCCCTTCTTCCTCCCCTTCTCCTTCT deleted on the plus strand (AGAAGGAGAAGGGGAGGAAGAAGGGGA on the coding strand, the reverse complement: RPGR is on the minus strand); deleting any 27 consecutive bases within chrX:38,286,384-38,286,429 gives the same sequence; the c. name uses the placement nearest the transcript's 3' end. VCF-style (leftmost placement, unchanged base first): chrX-38286383-CTCCCCTTCTTCCTCCCCTTCTCCTTCT-C. GRCh37 (hg19) VCF-style: chrX-38145636-CTCCCCTTCTTCCTCCCCTTCTCCTTCT-C.
Other names: c.1569+4549_1569+4575del (NM_001367249.1, NM_001367250.1); c.1902+684_1902+710del (NM_001367245.1); c.1386+4549_1386+4575del (NM_001367251.1); c.1719+684_1719+710del (NM_001367246.1); c.1572+4549_1572+4575del (NM_001367247.1); c.1905+684_1905+710del (NM_000328.3); c.1602+4549_1602+4575del (NM_001367248.1); c.2589_2615del27 (NM_001034853.1).
Identifiers: ClinVar variation 2151033 (VCV002151033.6), dbSNP rs1444160129, ClinGen allele CA640956328.
Genomic context (GRCh38, chrX:38,286,383, plus strand): 5'-TTCTCCTTCCTCTTCTCCCTCCCCTTCTCCTTCCTCCTCTTCCCCCTCCCCTTCTCCTTC[CTCCCCTTCTTCCTCCCCTTCTCCTTCT>C]TCCCCTTCTTCCTCCCCTTTCCCTTCTCCTTCCTCCTCTTCCCCCTCCCCTTCCTCCTCT-3'

ClinVar aggregate classification (germline): Likely benign. Review status: criteria provided, multiple submitters, no conflicts (2 of 4 stars). 3 submissions from 3 submitters: Likely benign (3). Last evaluated 2026-04-02.

Conditions:
RPGR-related disorder. Also called: RPGR-related condition.
Primary ciliary dyskinesia. Also called: Ciliary dyskinesia. Identifiers: Orphanet 244, MedGen C0008780, MONDO:0016575, HP:0012265.

Submissions (3):

PreventionGenetics, part of Exact Sciences
Classification: Likely benign for RPGR-related condition. Last evaluated: 2026-04-02. Review status: criteria provided, single submitter. Criteria: ACMG Guidelines, 2015. Collection method: clinical testing. Allele origin: germline.
Comment: This variant is classified as likely benign based on ACMG/AMP sequence variant interpretation guidelines (Richards et al. 2015 PMID: 25741868, with internal and published modifications).

Blueprint Genetics
Classification: Likely benign. Last evaluated: 2023-09-19. Review status: criteria provided, single submitter. Criteria: ACMG Guidelines, 2015. Collection method: clinical testing. Allele origin: germline.

Labcorp Genetics (formerly Invitae), Labcorp
Classification: Likely benign for Primary ciliary dyskinesia. Last evaluated: 2022-09-26. Review status: criteria provided, single submitter. Criteria: Invitae Variant Classification Sherloc (09022015). Collection method: clinical testing. Allele origin: germline.